The following is an entry in ClinVar:

ClinVar aggregate classification (germline): Conflicting classifications of pathogenicity. Review status: criteria provided, conflicting classifications (1 of 4 stars). 2 submissions from 2 submitters: Uncertain significance (1); Likely benign (1). Last evaluated 2024-04-18.

Conditions:
Hypertrophic cardiomyopathy. Also called: HYPERTROPHIC MYOCARDIOPATHY. Identifiers: Orphanet 217569, MedGen C0007194, MeSH D002312, MONDO:0005045, HP:0001639.

Allele frequency attached by ClinVar (database versions not stated): gnomAD exomes 0.00001 and 0.00002; TOPMed 0.00001.
gnomAD v4.1: 5 of 1,613,770 alleles (0.00031%); highest among the groups gnomAD compares: Admixed American, 0.0067%; no homozygotes.

Submissions (2):

Labcorp Genetics (formerly Invitae), Labcorp
Classification: Uncertain significance for Hypertrophic cardiomyopathy. Last evaluated: 2024-04-18. Review status: criteria provided, single submitter. Criteria: Invitae Variant Classification Sherloc (09022015). Collection method: clinical testing. Allele origin: germline.
Comment: This sequence change replaces arginine, which is basic and polar, with glutamine, which is neutral and polar, at codon 31 of the MYOM1 protein (p.Arg31Gln). This variant is present in population databases (rs777908113, gnomAD 0.01%). This variant has not been reported in the literature in individuals affected with MYOM1-related conditions. ClinVar contains an entry for this variant (Variation ID: 937547). Algorithms developed to predict the effect of missense changes on protein structure and function output the following: SIFT: "Not Available"; PolyPhen-2: "Benign"; Align-GVGD: "Not Available". The glutamine amino acid residue is found in multiple mammalian species, which suggests that this missense change does not adversely affect protein function. In summary, the available evidence is currently insufficient to determine the role of this variant in disease. Therefore, it has been classified as a Variant of Uncertain Significance.

Ambry Genetics
Classification: Likely benign. Last evaluated: 2022-05-27. Review status: criteria provided, single submitter. Criteria: Ambry Variant Classification Scheme 2023. Collection method: clinical testing. Allele origin: germline.

NM_003803.4(MYOM1):c.92G>A (p.Arg31Gln)

Gene: MYOM1 (myomesin 1; minus strand). Cytogenetic location: 18p11.31.
Variant type: single nucleotide variant.
Coding change: c.92G>A on transcript NM_003803.4 (MANE Select); coding-DNA position 92, G replaced by A.
Protein change: p.Arg31Gln; replaces arginine 31 with glutamine.
Molecular consequence: missense variant.
Genome position (GRCh38, 1-based): chr18:3,215,132, C>T on the plus strand (G>A on the coding strand, the complement: MYOM1 is on the minus strand). VCF-style: chr18-3215132-C-T. GRCh37 (hg19) VCF-style: chr18-3215130-C-T.
Other names: c.92G>A, p.Arg31Gln (NM_019856.2); short protein forms R31Q.
Identifiers: ClinVar variation 937547 (VCV000937547.11), dbSNP rs777908113, ClinGen allele CA8875360.